The following is an entry in ClinVar:

ClinVar aggregate classification (germline): Uncertain significance (1 of 4 stars; one submission).

Submission:

GeneDx
Classification: Uncertain significance. Last evaluated: 2025-01-24. Review status: criteria provided, single submitter. Criteria: GeneDx Variant Classification Process June 2021. Collection method: clinical testing. Allele origin: germline. Affected: yes.
Comment: Not observed at significant frequency in large population cohorts (gnomAD); Nonsense variant predicted to result in protein truncation or nonsense mediated decay in a gene or region of a gene for which loss of function is not a well-established mechanism of disease; Has not been previously published as pathogenic or benign to our knowledge

NM_012154.5(AGO2):c.985C>T (p.Gln329Ter)

Genes: AGO2 (argonaute RISC catalytic component 2; minus strand), LOC126860544 (MED14-independent group 3 enhancer GRCh37_chr8:141567119-141568318; plus strand). Cytogenetic location: 8q24.3.
Variant type: single nucleotide variant.
Coding change: c.985C>T on transcript NM_012154.5 (MANE Select); coding-DNA position 985, C replaced by T.
Protein change: p.Gln329Ter; replaces glutamine 329 with a stop codon.
Molecular consequence: nonsense.
Genome position (GRCh38, 1-based): chr8:140,557,130, G>A on the plus strand (C>T on the coding strand, the complement: AGO2 is on the minus strand). VCF-style: chr8-140557130-G-A. GRCh37 (hg19) VCF-style: chr8-141567229-G-A.
Other names: c.985C>T, p.Gln329Ter (NM_001164623.3); short protein forms Q329*.
Identifiers: ClinVar variation 4071793 (VCV004071793.1).
Genomic context (GRCh38, chr8:140,557,130, plus strand): 5'-CAGGAAGAGGGTGACTTGCCTCCAGGGGAAGGTAGGTGTGTTTCTGCTCCTGTCCGACTT[G>A]TAAACATGGGAGGTGGGGGTAGCGCAGAACCAACTTGTGCCTGTCCTTGAAATACTGGGC-3'